The following is an entry in ClinVar:

NM_058246.4(DNAJB6):c.335T>C (p.Phe112Ser)

Gene: DNAJB6 (DnaJ heat shock protein family (Hsp40) member B6; plus strand). Cytogenetic location: 7q36.3.
Variant type: single nucleotide variant.
Coding change: c.335T>C on transcript NM_058246.4 (MANE Select); coding-DNA position 335, T replaced by C.
Protein change: p.Phe112Ser; replaces phenylalanine 112 with serine.
Molecular consequence: missense variant.
Genome position (GRCh38, 1-based): chr7:157,367,472, T>C. VCF-style: chr7-157367472-T-C. GRCh37 (hg19) VCF-style: chr7-157160166-T-C.
Other names: c.335T>C, p.Phe112Ser (NM_001363676.1, NM_005494.3); short protein forms F112S.
Identifiers: ClinVar variation 3604681 (VCV003604681.2).

ClinVar aggregate classification (germline): Uncertain significance (1 of 4 stars; one submission).

Conditions:
Autosomal dominant limb-girdle muscular dystrophy type 1D (DNAJB6) (LGMDD1). Also called: MUSCULAR DYSTROPHY, LIMB-GIRDLE, TYPE 1D; MUSCULAR DYSTROPHY, AUTOSOMAL DOMINANT, WITH RIMMED VACUOLES; Autosomal dominant limb-girdle muscular dystrophy type 1D; Muscular dystrophy, limb-girdle, autosomal dominant 1. Identifiers: Orphanet 34516, MedGen C4721885, MONDO:0021018, OMIM 603511.

gnomAD v4.1: 1 of 1,599,732 alleles (0.000063%); highest among the groups gnomAD compares: Non-Finnish European, 0.000086%; no homozygotes.

Submission:

Labcorp Genetics (formerly Invitae), Labcorp
Classification: Uncertain significance for Autosomal dominant limb-girdle muscular dystrophy type 1D (DNAJB6). Last evaluated: 2024-03-19. Review status: criteria provided, single submitter. Criteria: Invitae Variant Classification Sherloc (09022015). Collection method: clinical testing. Allele origin: germline.
Comment: This sequence change replaces phenylalanine, which is neutral and non-polar, with serine, which is neutral and polar, at codon 112 of the DNAJB6 protein (p.Phe112Ser). This variant is present in population databases (no rsID available, gnomAD 0.007%). This variant has not been reported in the literature in individuals affected with DNAJB6-related conditions. Advanced modeling of protein sequence and biophysical properties (such as structural, functional, and spatial information, amino acid conservation, physicochemical variation, residue mobility, and thermodynamic stability) performed at Invitae indicates that this missense variant is expected to disrupt DNAJB6 protein function with a positive predictive value of 95%. In summary, the available evidence is currently insufficient to determine the role of this variant in disease. Therefore, it has been classified as a Variant of Uncertain Significance.